The following is an entry in ClinVar:

NM_206933.4(USH2A):c.12484A>G (p.Thr4162Ala)

Gene: USH2A (usherin; minus strand). Cytogenetic location: 1q41.
Variant type: single nucleotide variant.
Coding change: c.12484A>G on transcript NM_206933.4 (MANE Select); coding-DNA position 12484, A replaced by G.
Protein change: p.Thr4162Ala; replaces threonine 4162 with alanine.
Molecular consequence: missense variant.
Genome position (GRCh38, 1-based): chr1:215,675,427, T>C on the plus strand (A>G on the coding strand, the complement: USH2A is on the minus strand). VCF-style: chr1-215675427-T-C. GRCh37 (hg19) VCF-style: chr1-215848769-T-C.
Other names: short protein forms T4162A.
Identifiers: ClinVar variation 1209802 (VCV001209802.9), dbSNP rs1363933493, ClinGen allele CA344850803.

ClinVar aggregate classification (germline): Uncertain significance. Review status: criteria provided, multiple submitters, no conflicts (2 of 4 stars). 4 submissions from 3 submitters: Uncertain significance (4). Last evaluated 2021-09-01.

Conditions:
Retinitis pigmentosa 39 (RP39). Identifiers: Orphanet 791, MedGen C3151138, MONDO:0013436, OMIM 613809.
Usher syndrome type 2A. Also called: USHER SYNDROME, TYPE IIA; RETINAL DISEASE IN USHER SYNDROME TYPE IIA, MODIFIER OF. Identifiers: Orphanet 231178, Orphanet 886, MedGen C1848634, MONDO:0010169, OMIM 276901.

gnomAD v4.1: 2 of 1,614,002 alleles (0.00012%); highest among the groups gnomAD compares: Middle Eastern, 0.016%; no homozygotes.

Submissions (4):

Labcorp Genetics (formerly Invitae), Labcorp
Classification: Uncertain significance. Last evaluated: 2021-09-01. Review status: criteria provided, single submitter. Criteria: Invitae Variant Classification Sherloc (09022015). Collection method: clinical testing. Allele origin: germline.
Comment: This sequence change replaces threonine with alanine at codon 4162 of the USH2A protein (p.Thr4162Ala). The threonine residue is highly conserved and there is a small physicochemical difference between threonine and alanine. This variant is not present in population databases (ExAC no frequency). This variant has not been reported in the literature in individuals affected with USH2A-related conditions. Algorithms developed to predict the effect of missense changes on protein structure and function output the following: SIFT: "Tolerated"; PolyPhen-2: "Benign"; Align-GVGD: "Class C0". The alanine amino acid residue is found in multiple mammalian species, which suggests that this missense change does not adversely affect protein function. In summary, the available evidence is currently insufficient to determine the role of this variant in disease. Therefore, it has been classified as a Variant of Uncertain Significance.

Genome-Nilou Lab
Classification: Uncertain significance for Usher syndrome type 2A. Last evaluated: 2021-07-22. Review status: criteria provided, single submitter. Criteria: ACMG Guidelines, 2015. Collection method: clinical testing. Allele origin: germline. Affected: no.

Genome-Nilou Lab
Classification: Uncertain significance for Retinitis pigmentosa 39. Last evaluated: 2021-07-22. Review status: criteria provided, single submitter. Criteria: ACMG Guidelines, 2015. Collection method: clinical testing. Allele origin: germline. Affected: no.

Breakthrough Genomics
Classification: Uncertain significance. Review status: criteria provided, single submitter. Criteria: ACMG Guidelines, 2015. Collection method: not provided. Allele origin: germline. Inheritance: Autosomal recessive inheritance. Affected: yes.